The following is an entry in ClinVar:

ClinVar aggregate classification (germline): Likely pathogenic (1 of 4 stars; one submission).

Conditions:
Familial cancer of breast. Also called: Hereditary breast cancer; BREAST CANCER, FAMILIAL; hereditary breast carcinoma. Identifiers: Orphanet 227535, MedGen C0346153, MONDO:0016419, OMIM 114480. Disease mechanism: loss of function.

Submission:

Myriad Genetics, Inc.
Classification: Likely pathogenic for Familial cancer of breast. Last evaluated: 2023-09-13. Review status: criteria provided, single submitter. Criteria: Myriad Autosomal Dominant, Autosomal Recessive and X-Linked Classification Criteria (2023). Collection method: clinical testing. Allele origin: unknown.
Comment: This variant is considered likely pathogenic. This variant occurs within a consensus splice junction and is predicted to result in abnormal mRNA splicing of either an out-of-frame exon or an in-frame exon necessary for protein stability and/or normal function.

NM_024675.4(PALB2):c.2509_2514+9del

Gene: PALB2 (partner and localizer of BRCA2; minus strand). Cytogenetic location: 16p12.2.
Variant type: Deletion.
Coding change: c.2509_2514+9del on transcript NM_024675.4 (MANE Select); coding-DNA position 2509 through 9 bases into the intron after coding-DNA position 2514, 15 bases deleted (GAACAGGTACAATCC).
Molecular consequence: splice donor variant. On other transcripts: intron variant (1).
Genome position (GRCh38, 1-based): chr16:23,629,631-23,629,645, GGATTGTACCTGTTC deleted on the plus strand (GAACAGGTACAATCC on the coding strand, the reverse complement: PALB2 is on the minus strand); deleting any 15 consecutive bases within chr16:23,629,631-23,629,646 gives the same sequence; the c. name uses the placement nearest the transcript's 3' end. VCF-style (leftmost placement, unchanged base first): chr16-23629630-TGGATTGTACCTGTTC-T. GRCh37 (hg19) VCF-style: chr16-23640951-TGGATTGTACCTGTTC-T.
Other names: c.1624_1629+9del (NM_001407308.1, NM_001407306.1, NM_001407307.1 and 5 more transcripts); c.49-370_49-356del (NM_001407314.1); c.721_726+9del (NM_001407313.1, NM_001407312.1); c.2449_2454+9del (NM_001407296.1); c.2509_2514+9del (NM_001407297.1, NM_001407302.1, NM_001407298.1 and 3 more transcripts).
Identifiers: ClinVar variation 2673829 (VCV002673829.1), dbSNP rs2506401864, ClinGen allele CA2695197457.